The following is an entry in ClinVar:

NM_000069.3(CACNA1S):c.4113+5G>C

Gene: CACNA1S (calcium voltage-gated channel subunit alpha1 S; minus strand). Cytogenetic location: 1q32.1.
Variant type: single nucleotide variant.
Coding change: c.4113+5G>C on transcript NM_000069.3 (MANE Select); 5 bases into the intron after coding-DNA position 4113, G replaced by C.
Molecular consequence: intron variant.
Genome position (GRCh38, 1-based): chr1:201,050,979, C>G on the plus strand (G>C on the coding strand, the complement: CACNA1S is on the minus strand). VCF-style: chr1-201050979-C-G. GRCh37 (hg19) VCF-style: chr1-201020107-C-G.
Identifiers: ClinVar variation 2931201 (VCV002931201.3), dbSNP rs1405734392, ClinGen allele CA528313181.

ClinVar aggregate classification (germline): Uncertain significance (1 of 4 stars; one submission).

Conditions:
Malignant hyperthermia, susceptibility to, 5 (MHS5). Also called: CACNA1S-Related Malignant Hyperthermia Susceptibility. Identifiers: Orphanet 423, MedGen C1866077, MONDO:0011163, OMIM 601887.
Hypokalemic periodic paralysis, type 1. Also called: Hypokalemic Periodic Paralysis Type 1 (AD); HypoPP. Identifiers: Orphanet 681, MedGen C3714580, MONDO:0042979, OMIM 170400.

gnomAD v4.1: 3 of 1,614,104 alleles (0.00019%); highest among the groups gnomAD compares: Admixed American, 0.005%; no homozygotes.

Submission:

Labcorp Genetics (formerly Invitae), Labcorp
Classification: Uncertain significance for Hypokalemic periodic paralysis, type 1; Malignant hyperthermia, susceptibility to, 5. Last evaluated: 2023-04-26. Review status: criteria provided, single submitter. Criteria: Invitae Variant Classification Sherloc (09022015). Collection method: clinical testing. Allele origin: germline.
Comment: In summary, the available evidence is currently insufficient to determine the role of this variant in disease. Therefore, it has been classified as a Variant of Uncertain Significance. Variants that disrupt the consensus splice site are a relatively common cause of aberrant splicing (PMID: 17576681, 9536098). Algorithms developed to predict the effect of sequence changes on RNA splicing suggest that this variant may disrupt the consensus splice site. This variant has not been reported in the literature in individuals affected with CACNA1S-related conditions. This variant is present in population databases (no rsID available, gnomAD 0.006%). This sequence change falls in intron 33 of the CACNA1S gene. It does not directly change the encoded amino acid sequence of the CACNA1S protein. It affects a nucleotide within the consensus splice site.

Literature cited by the submitters: PubMed 17576681; PubMed 9536098.